The following is an entry in ClinVar:

ClinVar aggregate classification (germline): Likely benign (1 of 4 stars; one submission).

Conditions:
PKD1L1-related disorder. Also called: PKD1L1-related condition.

Submission:

PreventionGenetics, part of Exact Sciences
Classification: Likely benign for PKD1L1-related condition. Last evaluated: 2025-12-21. Review status: criteria provided, single submitter. Criteria: ACMG Guidelines, 2015. Collection method: clinical testing. Allele origin: germline.
Comment: This variant is classified as likely benign based on ACMG/AMP sequence variant interpretation guidelines (Richards et al. 2015 PMID: 25741868, with internal and published modifications).

NM_138295.5(PKD1L1):c.3132G>A (p.Gln1044=)

Gene: PKD1L1 (polycystin 1 like 1, transient receptor potential channel interacting; minus strand). Cytogenetic location: 7p12.3.
Variant type: single nucleotide variant.
Coding change: c.3132G>A on transcript NM_138295.5 (MANE Select); coding-DNA position 3132, G replaced by A.
Protein change: p.Gln1044=; no amino-acid change (glutamine 1044 retained).
Molecular consequence: synonymous variant.
Genome position (GRCh38, 1-based): chr7:47,885,759, C>T on the plus strand (G>A on the coding strand, the complement: PKD1L1 is on the minus strand). VCF-style: chr7-47885759-C-T. GRCh37 (hg19) VCF-style: chr7-47925357-C-T.
Identifiers: ClinVar variation 4984860 (VCV004984860.1).
Genomic context (GRCh38, chr7:47,885,759, plus strand): 5'-GTCAGGGCTGTGGGTGGGCTGACTTCTCTCAGAGCGGCCAGTCATCAGGGATCCCTTGCT[C>T]TGTGGCCCTGGCTCTAGGTCTAGTGAACCTTCCTCTGGAGCCTCCCCCAGGACTGCAGAG-3'
Protein context (NP_612152.1, residues 1034-1054): EGSLDLEPGP[Gln1044=]SKGSLMTGRS